The following is an entry in ClinVar:

ClinVar aggregate classification (germline): Pathogenic/Likely pathogenic. Review status: criteria provided, multiple submitters, no conflicts (2 of 4 stars). 3 submissions from 3 submitters: Pathogenic (1); Likely pathogenic (2). Last evaluated 2025-03-26.

Conditions:
CCDC88C-related disorder. Also called: CCDC88C-related condition; CCDC88C-Related Disorders.
Hydrocephalus, nonsyndromic, autosomal recessive 1 (HYC1). Also called: Congenital hydrocephalus 1; Hydrocephalus, nonsyndromic, autosomal recessive. Identifiers: Orphanet 2185, MedGen C3887608, MONDO:0009360, OMIM 236600.

Allele frequency attached by ClinVar (database versions not stated): 1000 Genomes Project 0.00020; 1000 Genomes Project 30x 0.00016.
gnomAD v4.1: 4 of 1,613,542 alleles (0.00025%); highest among the groups gnomAD compares: African/African-American, 0.0013%; no homozygotes.

Submissions (3):

PreventionGenetics, part of Exact Sciences
Classification: Likely pathogenic for CCDC88C-related condition. Last evaluated: 2025-03-26. Review status: criteria provided, single submitter. Criteria: ACMG Guidelines, 2015. Collection method: clinical testing. Allele origin: germline.
Comment: The CCDC88C c.3160C>T variant is predicted to result in premature protein termination (p.Arg1054*). To our knowledge, this variant has not been reported in the literature. This variant is reported in 0.0065% of alleles in individuals of African descent in gnomAD. Nonsense variants in CCDC88C are expected to be pathogenic. This variant is interpreted as likely pathogenic.

Myriad Genetics, Inc.
Classification: Pathogenic for Hydrocephalus, nonsyndromic, autosomal recessive 1. Last evaluated: 2024-12-31. Review status: criteria provided, single submitter. Criteria: Myriad Autosomal Dominant, Autosomal Recessive and X-Linked Classification Criteria (2023). Collection method: clinical testing. Allele origin: unknown.
Comment: NM_001080414.3(CCDC88C):c.3160C>T(R1054*) is expected to be pathogenic in the context of congenital hydrocephalus, CCDC88C-related. This variant is predicted to lead to an abnormal or absent protein product due to the creation of a premature termination codon in CCDC88C, a gene where loss-of-function variants are known to be pathogenic. Please note: this variant was assessed in the context of healthy population screening.

Neuberg Centre For Genomic Medicine, NCGM
Classification: Likely pathogenic for Hydrocephalus, nonsyndromic, autosomal recessive 1. Review status: criteria provided, single submitter. Criteria: ACMG Guidelines, 2015. Collection method: clinical testing. Allele origin: germline. Inheritance: Autosomal recessive inheritance. Affected: yes.
Comment: The stop gained variant c.3160C>Tp.Arg1054Ter in CCDC88C gene has not been reported previously as a pathogenic variant nor as a benign variant, to our knowledge. The variant is reported with 0.0004% allele frequency in gnomAD Exomes and is novel not in any individuals in 1000 Genomes. This variant is predicted to cause loss of normal protein function through protein truncation. Loss of function variants have been previously reported to be disease causing Wallis M, et al., 2018. For these reasons, this variant has been classified as Likely Pathogenic.

NM_001080414.4(CCDC88C):c.3160C>T (p.Arg1054Ter)

Gene: CCDC88C (coiled-coil and HOOK domain protein 88C; minus strand). Cytogenetic location: 14q32.11.
Variant type: single nucleotide variant.
Coding change: c.3160C>T on transcript NM_001080414.4 (MANE Select); coding-DNA position 3160, C replaced by T.
Protein change: p.Arg1054Ter; replaces arginine 1054 with a stop codon.
Molecular consequence: nonsense.
Genome position (GRCh38, 1-based): chr14:91,307,073, G>A on the plus strand (C>T on the coding strand, the complement: CCDC88C is on the minus strand). VCF-style: chr14-91307073-G-A. GRCh37 (hg19) VCF-style: chr14-91773417-G-A.
Other names: c.3160C>T (NM_001080414.3); short protein forms R1054*.
Identifiers: ClinVar variation 3234949 (VCV003234949.3), dbSNP rs562306188, ClinGen allele CA7309453.